The following is an entry in ClinVar:

NM_016363.5(GP6):c.924G>A (p.Pro308=)

Gene: GP6 (glycoprotein VI platelet; minus strand). Cytogenetic location: 19q13.42.
Variant type: single nucleotide variant.
Coding change: c.924G>A on transcript NM_016363.5 (MANE Select); coding-DNA position 924, G replaced by A.
Protein change: p.Pro308=; no amino-acid change (proline 308 retained).
Molecular consequence: synonymous variant. On other transcripts: missense variant (1).
Genome position (GRCh38, 1-based): chr19:55,015,017, C>T on the plus strand (G>A on the coding strand, the complement: GP6 is on the minus strand). VCF-style: chr19-55015017-C-T. GRCh37 (hg19) VCF-style: chr19-55526385-C-T.
Other names: c.928G>A, p.Ala310Thr (NM_001083899.2); c.870G>A, p.Pro290= (NM_001256017.2); c.928G>A (NM_001083899.1); short protein forms A310T.
Identifiers: ClinVar variation 2765638 (VCV002765638.4), dbSNP rs373346261, ClinGen allele CA310121841.

ClinVar aggregate classification (germline): Conflicting classifications of pathogenicity. Review status: criteria provided, conflicting classifications (1 of 4 stars). 3 submissions from 3 submitters: Uncertain significance (1); Likely benign (1). 1 of the submissions does not count toward it. Last evaluated 2024-01-22.

Conditions:
Inborn genetic diseases. Identifiers: MedGen C0950123, MeSH D030342.
GP6-related disorder. Also called: GP6-related condition.

Allele frequency attached by ClinVar (database versions not stated): gnomAD exomes 0.00001; TOPMed 0.00001; ExAC 0.00002.

Submissions (3):

Ambry Genetics
Classification: Likely benign for Inborn genetic diseases. Last evaluated: 2024-01-22. Review status: criteria provided, single submitter. Criteria: Ambry Variant Classification Scheme 2023. Collection method: clinical testing. Allele origin: germline.

Labcorp Genetics (formerly Invitae), Labcorp
Classification: Uncertain significance. Last evaluated: 2023-08-31. Review status: criteria provided, single submitter. Criteria: Invitae Variant Classification Sherloc (09022015). Collection method: clinical testing. Allele origin: germline.
Comment: This sequence change replaces alanine, which is neutral and non-polar, with threonine, which is neutral and polar, at codon 310 of the GP6 protein (p.Ala310Thr). This variant is present in population databases (rs373346261, gnomAD 0.02%). This variant has not been reported in the literature in individuals affected with GP6-related conditions. Algorithms developed to predict the effect of missense changes on protein structure and function output the following: SIFT: "Not Available"; PolyPhen-2: "Probably Damaging"; Align-GVGD: "Not Available". The threonine amino acid residue is found in multiple mammalian species, which suggests that this missense change does not adversely affect protein function. In summary, the available evidence is currently insufficient to determine the role of this variant in disease. Therefore, it has been classified as a Variant of Uncertain Significance.

PreventionGenetics, part of Exact Sciences
Classification: Uncertain significance for GP6-related condition. Last evaluated: 2024-07-11. Review status: no assertion criteria provided. Collection method: clinical testing. Allele origin: germline. Not counted in ClinVar's aggregate classification.
Comment: The GP6 c.928G>A variant is predicted to result in the amino acid substitution p.Ala310Thr. To our knowledge, this variant has not been reported in the literature. This variant is reported in 0.011% of alleles in individuals of East Asian descent in gnomAD. At this time, the clinical significance of this variant is uncertain due to the absence of conclusive functional and genetic evidence.